The following is an entry in ClinVar:

ClinVar aggregate classification (germline): Likely benign. Review status: criteria provided, multiple submitters, no conflicts (2 of 4 stars). 5 submissions from 5 submitters: Likely benign (4). 1 of the submissions does not count toward it. Last evaluated 2026-01-09.

Conditions:
Deficiency of hydroxymethylglutaryl-CoA lyase (HMGCLD). Also called: HMGCL DEFICIENCY; HYDROXYMETHYLGLUTARIC ACIDURIA; Defect in leucine metabolism; 3-hydroxy-3-methylglutaric aciduria; HMG-CoA LYASE DEFICIENCY. Identifiers: Orphanet 20, MedGen C1533587, MONDO:0009520, OMIM 246450.
HMGCL-related disorder. Also called: HMGCL-related condition.

Allele frequency attached by ClinVar (database versions not stated): TOPMed below 0.00001; gnomAD 0.00001; gnomAD exomes 0.00002; ExAC 0.00004.
gnomAD v4.1: 32 of 1,613,970 alleles (0.002%); highest among the groups gnomAD compares: Middle Eastern, 0.033%; no homozygotes.

Submissions (5):

Labcorp Genetics (formerly Invitae), Labcorp
Classification: Likely benign for Deficiency of hydroxymethylglutaryl-CoA lyase. Last evaluated: 2026-01-09. Review status: criteria provided, single submitter. Criteria: Invitae Variant Classification Sherloc (09022015). Collection method: clinical testing. Allele origin: germline.

Blueprint Genetics
Classification: Likely benign. Last evaluated: 2023-09-14. Review status: criteria provided, single submitter. Criteria: ACMG Guidelines, 2015. Collection method: clinical testing. Allele origin: germline.

Genome-Nilou Lab
Classification: Likely benign for Deficiency of hydroxymethylglutaryl-CoA lyase. Last evaluated: 2023-04-11. Review status: criteria provided, single submitter. Criteria: ACMG Guidelines, 2015. Collection method: clinical testing. Allele origin: germline. Affected: no.

GeneDx
Classification: Likely benign. Last evaluated: 2017-01-10. Review status: criteria provided, single submitter. Criteria: GeneDx Variant Classification (06012015). Collection method: clinical testing. Allele origin: germline. Affected: yes.
Comment: This variant is considered likely benign or benign based on one or more of the following criteria: it is a conservative change, it occurs at a poorly conserved position in the protein, it is predicted to be benign by multiple in silico algorithms, and/or has population frequency not consistent with disease.

PreventionGenetics, part of Exact Sciences
Classification: Likely benign for HMGCL-related condition. Last evaluated: 2023-09-29. Review status: no assertion criteria provided. Collection method: clinical testing. Allele origin: germline. Not counted in ClinVar's aggregate classification.
Comment: This variant is classified as likely benign based on ACMG/AMP sequence variant interpretation guidelines (Richards et al. 2015 PMID: 25741868, with internal and published modifications).

NM_000191.3(HMGCL):c.84T>C (p.Thr28=)

Gene: HMGCL (3-hydroxy-3-methylglutaryl-CoA lyase; minus strand). Cytogenetic location: 1p36.11.
Variant type: single nucleotide variant.
Coding change: c.84T>C on transcript NM_000191.3 (MANE Select); coding-DNA position 84, T replaced by C.
Protein change: p.Thr28=; no amino-acid change (threonine 28 retained).
Molecular consequence: synonymous variant.
Genome position (GRCh38, 1-based): chr1:23,820,570, A>G on the plus strand (T>C on the coding strand, the complement: HMGCL is on the minus strand). VCF-style: chr1-23820570-A-G. GRCh37 (hg19) VCF-style: chr1-24147060-A-G.
Other names: c.84T>C, p.Thr28= (NM_001166059.2).
Identifiers: ClinVar variation 391798 (VCV000391798.15), dbSNP rs752969194, ClinGen allele CA686204.